The following is an entry in ClinVar:

ClinVar aggregate classification (germline): Uncertain significance (1 of 4 stars; one submission).

Conditions:
Jackson-Weiss syndrome (JWS). Also called: CRANIOSYNOSTOSIS, MIDFACIAL HYPOPLASIA, AND FOOT ABNORMALITIES. Identifiers: Orphanet 1540, MedGen C0795998, MONDO:0007400, OMIM 123150. Disease mechanism: loss of function.

Allele frequency attached by ClinVar (database versions not stated): gnomAD exomes below 0.00001.

Submission:

Victorian Clinical Genetics Services, Murdoch Childrens Research Institute
Classification: Uncertain significance for Jackson-Weiss syndrome. Last evaluated: 2023-07-17. Review status: criteria provided, single submitter. Criteria: ACMG Guidelines, 2015. Collection method: clinical testing. Allele origin: germline. Inheritance: Autosomal dominant inheritance. Affected: yes.
Comment: Based on the classification scheme VCGS_Germline_v1.3.4, this variant is classified as VUS-3B. Following criteria are met: 0103 - Loss of function and gain of function are known mechanisms of disease in this gene and are associated with FGFR1-related disease. Loss of function missense variants and variants predicted to undergo nonsense-mediated decay have been reported to cause Hartsfield syndrome (MIM#615465) and hypogonadotropic hypogonadism-2 (HH2; MIM#147950). Gain of function missense variants have been reported to cause encephalocraniocutaneous lipomatosis, somatic mosaic (MIM#613001) and osteoglophonic dysplasia (MIM#166250). Additional missense variants have been reported in patients with Jackson-Weiss syndrome (MIM#123150), Pfeiffer syndrome (MIM#101600) or trigonocephaly 1 (MIM#190440) however, the mechanism of these variants is unknown (OMIM, PMID: 18034870, 23812909, 26942290). (I) 0107 - This gene is associated with autosomal dominant disease. Biallelic missense variants have been rarely reported in patients with Hartsfield syndrome (PMID: 23812909). (I) 0115 - Variants in this gene are known to have variable expressivity in patients with HH2 (PMID: 18034870). (I) 0208 - Variant is predicted to result in an elongated protein. (SP) 0219 - This variant is non-coding in an alternative transcript. This variant is non-coding in several transcripts, where one is highly expressed (GTex). However, it is coding in the majority of transcripts including the MANE select (UCSC). (I) 0251 - This variant is heterozygous. (I) 0301 - Variant is absent from gnomAD (both v2 and v3). (SP) 0601 - Variant affects the well-established functional C-terminal domain. Functional studies have shown certain residues in the C-terminal are critical for protein translocation (PMID: 17003104). (SP) 0708 - Other elongation variants comparable to the one identified in this case have conflicting previous evidence for pathogenicity. These variants have been reported twice as VUSs, and observed in an individual with skeletal dysplasia, and others with neurodevelopmental features where the variant was inherited from both affected and asymptomatic parents (ClinVar, personal communication). Another elongation was observed as de novo in an individual with multiple epiphyseal dysplasia and hypogonadotropic hypogonadism (PMID: 31605817). (I) 0807 - This variant has no previous evidence of pathogenicity. (I) 0905 - No published segregation evidence has been identified for this variant. (I) 1007 - No published functional evidence has been identified for this variant. (I) Legend: (SP) - Supporting pathogenic, (I) - Information, (SB) - Supporting benign

Literature cited by the submitters: PubMed 17003104; PubMed 18034870; PubMed 23812909; PubMed 26942290; PubMed 31605817.

NM_023110.3(FGFR1):c.2327del (p.Tyr776fs)

Gene: FGFR1 (fibroblast growth factor receptor 1; minus strand). Cytogenetic location: 8p11.23.
Variant type: Deletion.
Coding change: c.2327del on transcript NM_023110.3 (MANE Select); coding-DNA position 2327, one base deleted (A; older notation c.2327delA).
Protein change: p.Tyr776fs; shifts the reading frame from tyrosine 776.
Molecular consequence: frameshift variant. On other transcripts: intron variant (3).
Genome position (GRCh38, 1-based): chr8:38,413,770, T deleted on the plus strand (A on the coding strand, the reverse complement: FGFR1 is on the minus strand). VCF-style (leftmost placement, unchanged base first): chr8-38413769-GT-G. GRCh37 (hg19) VCF-style: chr8-38271287-GT-G.
Other names: c.2321del, p.Tyr774fs (NM_001174063.2, NM_001174065.2, NM_015850.4); c.2297del, p.Tyr766fs (NM_001174064.2); c.2060del, p.Tyr687fs (NM_001174066.2, NM_023105.3); c.2420del, p.Tyr807fs (NM_001174067.2); c.2048del, p.Tyr683fs (NM_001354368.2); c.2315del, p.Tyr772fs (NM_001410922.1); c.2054del, p.Tyr685fs (NM_023106.3); c.2019+148del (NM_001354370.2); and 2 more; short protein forms Y683fs, Y685fs, Y687fs, Y766fs, Y772fs, Y774fs, Y776fs, Y807fs.
Identifiers: ClinVar variation 3254769 (VCV003254769.1), dbSNP rs2536763372.